The following is an entry in ClinVar:

NM_181534.4(KRT25):c.712G>T (p.Val238Leu)

Gene: KRT25 (keratin 25; minus strand). Cytogenetic location: 17q21.2.
Variant type: single nucleotide variant.
Coding change: c.712G>T on transcript NM_181534.4 (MANE Select); coding-DNA position 712, G replaced by T.
Protein change: p.Val238Leu; replaces valine 238 with leucine.
Molecular consequence: missense variant.
Genome position (GRCh38, 1-based): chr17:40,751,284, C>A on the plus strand (G>T on the coding strand, the complement: KRT25 is on the minus strand). VCF-style: chr17-40751284-C-A. GRCh37 (hg19) VCF-style: chr17-38907536-C-A.
Other names: short protein forms V238L.
Identifiers: ClinVar variation 242934 (VCV000242934.5), dbSNP rs879253749, ClinGen allele CA10584035.

ClinVar aggregate classification (germline): Pathogenic. Review status: criteria provided, single submitter (1 of 4 stars). 2 submissions from 2 submitters: Pathogenic (1). 1 of the submissions does not count toward it. Last evaluated 2016-02-20.

Conditions:
Autosomal Recessive Hypotrichosis with Woolly Hair.
Wooly hair, autosomal recessive 3. Also called: WOOLLY HAIR, AUTOSOMAL RECESSIVE 3, WITH HYPOTRICHOSIS; WOOLLY HAIR, AUTOSOMAL RECESSIVE 3. Identifiers: Orphanet 170, MedGen C4225214, MONDO:0014765, OMIM 616760.

gnomAD v4.1: 4 of 1,613,924 alleles (0.00025%); highest among the groups gnomAD compares: Non-Finnish European, 0.00025%; no homozygotes.

Submissions (2):

Research Centre for  Medical Genetics
Classification: Pathogenic for Autosomal Recessive Hypotrichosis with Woolly Hair. Last evaluated: 2016-02-20. Review status: criteria provided, single submitter. Criteria: Submitter's publication. Collection method: research, in vitro. Allele origin: germline, not applicable. Inheritance: Autosomal recessive inheritance. Affected: yes. Observed: 3 homozygotes.
Comment: Affected individuals demonstrated the following: • Isolated congenital WH. • Scalp hair length of approximately 5–15 cm. • Decreasing trend in follicle density from the occipital to frontotemporal scalp region from 210 to 90 cm−2, respectively (with a norm being in the range of 175–300 follicles cm−2 (Barman et al., 1965)). • Frontotemporal hairline close to normal. • Uniform hair rigidity in different scalp regions; the rate of hair growth was higher than in group 1 (individuals had a haircut every 3–4 years); • Body hair distribution was similar to that in the hypotrichosis 7 group; • Trichogram showed 25–30% hairs in telogen and 70–75% in anagen phases. • Hair light microscopy with slight dystrophic changes in the form of irregular wavy contours, along with relatively rare HS fractures and trichorrhexis nodosa. Seventy percent of hair shafts were abnormal. • Tracing of the phenotypic changing throughout the lifetime was not possible; nonetheless interviewing the members in this group suggested an absence of the hypotrichosis progression.

OMIM
Classification: Pathogenic for WOOLLY HAIR, AUTOSOMAL RECESSIVE 3, WITH HYPOTRICHOSIS. Last evaluated: 2017-05-24. Review status: no assertion criteria provided. Collection method: literature only. Allele origin: germline. Not counted in ClinVar's aggregate classification.

Literature cited by the submitters: PubMed 26902920 (cited by OMIM).